The following is an entry in ClinVar:

NM_012210.4(TRIM32):c.1782T>C (p.Ser594=)

Genes: ASTN2 (astrotactin 2; minus strand), TRIM32 (tripartite motif containing 32; plus strand). Cytogenetic location: 9q33.1.
Variant type: single nucleotide variant.
Coding change: c.1782T>C on transcript NM_012210.4 (MANE Select); coding-DNA position 1782, T replaced by C.
Protein change: p.Ser594=; no amino-acid change (serine 594 retained).
Molecular consequence: synonymous variant. On other transcripts: intron variant (3).
Genome position (GRCh38, 1-based): chr9:116,699,524, T>C. VCF-style: chr9-116699524-T-C. GRCh37 (hg19) VCF-style: chr9-119461803-T-C.
Other names: c.1782T>C, p.Ser594= (NM_001099679.2, NM_001379048.1, NM_001379049.1 and 1 more transcripts); c.2653+26247A>G (NM_014010.5); c.2794+26247A>G (NM_001365069.1); c.2806+26247A>G (NM_001365068.1).
Identifiers: ClinVar variation 4979617 (VCV004979617.1).

ClinVar aggregate classification (germline): Likely benign (1 of 4 stars; one submission).

Conditions:
TRIM32-related disorder. Also called: TRIM32-related condition.

gnomAD v4.1: 3 of 1,614,172 alleles (0.00019%); highest among the groups gnomAD compares: Middle Eastern, 0.016%; no homozygotes.

Submission:

PreventionGenetics, part of Exact Sciences
Classification: Likely benign for TRIM32-related condition. Last evaluated: 2024-10-17. Review status: criteria provided, single submitter. Criteria: ACMG Guidelines, 2015. Collection method: clinical testing. Allele origin: germline.
Comment: This variant is classified as likely benign based on ACMG/AMP sequence variant interpretation guidelines (Richards et al. 2015 PMID: 25741868, with internal and published modifications).